The following is an entry in ClinVar:

NM_007294.4(BRCA1):c.4764T>C (p.Ala1588=)

Gene: BRCA1 (BRCA1 DNA repair associated; minus strand). Cytogenetic location: 17q21.31.
Variant type: single nucleotide variant.
Coding change: c.4764T>C on transcript NM_007294.4 (MANE Select); coding-DNA position 4764, T replaced by C.
Protein change: p.Ala1588=; no amino-acid change (alanine 1588 retained).
Molecular consequence: synonymous variant. On other transcripts: intron variant (1).
Genome position (GRCh38, 1-based): chr17:43,071,150, A>G on the plus strand (T>C on the coding strand, the complement: BRCA1 is on the minus strand). VCF-style: chr17-43071150-A-G. GRCh37 (hg19) VCF-style: chr17-41223167-A-G.
Other names: c.4551T>C, p.Ala1517= (NM_001407571.1, NM_001407894.1, NM_001407895.1 and 12 more transcripts); c.4830T>C, p.Ala1610= (NM_001407581.1, NM_001407582.1); c.4827T>C, p.Ala1609= (NM_001407583.1, NM_001407585.1, NM_001407587.1 and 1 more transcripts); c.4824T>C, p.Ala1608= (NM_001407590.1, NM_001407591.1); c.4764T>C, p.Ala1588= (NM_001407593.1, NM_001407594.1, NM_001407596.1 and 8 more transcripts); c.4761T>C, p.Ala1587= (NM_001407610.1, NM_001407611.1, NM_001407612.1 and 17 more transcripts); c.4758T>C, p.Ala1586= (NM_001407627.1, NM_001407628.1, NM_001407629.1 and 14 more transcripts); c.4755T>C, p.Ala1585= (NM_001407644.1, NM_001407645.1); and 71 more.
Identifiers: ClinVar variation 184874 (VCV000184874.25), dbSNP rs753651115, ClinGen allele CA003011.

ClinVar aggregate classification (germline): Likely benign. Review status: reviewed by expert panel (3 of 4 stars). 9 submissions from 9 submitters: Likely benign (1). 8 of the submissions do not count toward it. Last evaluated 2017-06-29.

Conditions:
Hereditary cancer-predisposing syndrome. Also called: Hereditary Cancer Syndrome; Hereditary neoplastic syndrome; Tumor predisposition; Neoplastic Syndromes, Hereditary. Identifiers: Orphanet 140162, MedGen C0027672, MeSH D009386, MONDO:0015356.
Hereditary breast ovarian cancer syndrome. Also called: Hereditary breast and ovarian cancer syndrome; Hereditary breast and ovarian cancer syndrome (HBOC); BRCA1- and BRCA2-Associated Hereditary Breast and Ovarian Cancer; Breast and ovarian cancer; Hereditary breast and ovarian cancer; Hereditary breast and/or ovarian cancer syndrome. Identifiers: Orphanet 145, MedGen C0677776, MeSH D061325, MONDO:0003582. Disease mechanism: loss of function.
Breast-ovarian cancer, familial, susceptibility to, 1 (BROVCA1). Also called: OVARIAN CANCER, SUSCEPTIBILITY TO; BRCA1 Hereditary Breast and Ovarian Cancer. Identifiers: Orphanet 145, MedGen C2676676, MONDO:0011450, OMIM 604370. Disease mechanism: loss of function.

Allele frequency attached by ClinVar (database versions not stated): gnomAD exomes below 0.00001; ExAC 0.00001; gnomAD 0.00001; TOPMed 0.00002.
gnomAD v4.1: 6 of 1,614,076 alleles (0.00037%); highest among the groups gnomAD compares: Middle Eastern, 0.016%; no homozygotes.

Submissions (9):

Evidence-based Network for the Interpretation of Germline Mutant Alleles (ENIGMA)
Classification: Likely benign for Breast-ovarian cancer, familial, susceptibility to, 1. Last evaluated: 2017-06-29. Review status: reviewed by expert panel. Criteria: ENIGMA BRCA1/2 Classification Criteria (2017-06-29). Collection method: curation. Allele origin: germline.
Comment: Synonymous substitution variant, with low bioinformatic likelihood to result in a splicing aberration (Splicing prior probability 0.02).

Labcorp Genetics (formerly Invitae), Labcorp
Classification: Likely benign for Hereditary breast ovarian cancer syndrome. Last evaluated: 2025-11-02. Review status: criteria provided, single submitter. Criteria: Invitae Variant Classification Sherloc (09022015). Collection method: clinical testing. Allele origin: germline. Not counted in ClinVar's aggregate classification.

Women's Health and Genetics/Laboratory Corporation of America, LabCorp
Classification: Likely benign. Last evaluated: 2024-12-06. Review status: criteria provided, single submitter. Criteria: LabCorp Variant Classification Summary - May 2015. Collection method: clinical testing. Allele origin: germline. Not counted in ClinVar's aggregate classification.

All of Us Research Program, National Institutes of Health
Classification: Likely benign for Breast-ovarian cancer, familial, susceptibility to, 1. Last evaluated: 2024-01-03. Review status: criteria provided, single submitter. Criteria: ACMG Guidelines, 2015. Collection method: clinical testing. Allele origin: germline. Inheritance: Autosomal dominant inheritance. Observed: 2 variant alleles, 2 heterozygotes. Not counted in ClinVar's aggregate classification.
Comment: This study involves interpretation of variants in research participants for the purpose of population health screening. Participant phenotype was not available at the time of variant classification. Additional details can be found in publication PMID: 35346344, PMCID: PMC8962531

Color Diagnostics, LLC DBA Color Health
Classification: Likely benign for Hereditary cancer-predisposing syndrome. Last evaluated: 2020-01-23. Review status: criteria provided, single submitter. Criteria: ACMG Guidelines, 2015. Collection method: clinical testing. Allele origin: germline. Not counted in ClinVar's aggregate classification.

GeneDx
Classification: Likely benign. Last evaluated: 2018-09-21. Review status: criteria provided, single submitter. Criteria: GeneDx Variant Classification Process June 2021. Collection method: clinical testing. Allele origin: germline. Affected: yes. Not counted in ClinVar's aggregate classification.
Comment: See Variant Classification Assertion Criteria.

Ambry Genetics
Classification: Likely benign for Hereditary cancer-predisposing syndrome. Last evaluated: 2014-09-19. Review status: criteria provided, single submitter. Criteria: Ambry Variant Classification Scheme 2023. Collection method: clinical testing. Allele origin: germline. Not counted in ClinVar's aggregate classification.

Clinical Genetics DNA and cytogenetics Diagnostics Lab, Erasmus MC, Erasmus Medical Center
Classification: Likely benign. Review status: no assertion criteria provided. Collection method: clinical testing. Allele origin: germline. Affected: yes. Study: VKGL Data-share Consensus. Not counted in ClinVar's aggregate classification.

Genome Diagnostics Laboratory, University Medical Center Utrecht
Classification: Likely benign. Review status: no assertion criteria provided. Collection method: clinical testing. Allele origin: germline. Affected: yes. Study: VKGL Data-share Consensus. Not counted in ClinVar's aggregate classification.